The following is an entry in ClinVar:

NM_004415.4(DSP):c.2356G>A (p.Val786Ile)

Gene: DSP (desmoplakin; plus strand). Cytogenetic location: 6p24.3.
Variant type: single nucleotide variant.
Coding change: c.2356G>A on transcript NM_004415.4 (MANE Select); coding-DNA position 2356, G replaced by A.
Protein change: p.Val786Ile; replaces valine 786 with isoleucine.
Molecular consequence: missense variant.
Genome position (GRCh38, 1-based): chr6:7,574,715, G>A. VCF-style: chr6-7574715-G-A. GRCh37 (hg19) VCF-style: chr6-7574948-G-A.
Other names: c.2356G>A, p.Val786Ile (NM_001008844.3, NM_001319034.2); short protein forms V786I.
Identifiers: ClinVar variation 2259058 (VCV002259058.5), dbSNP rs766567299, ClinGen allele CA133962833.

ClinVar aggregate classification (germline): Uncertain significance. Review status: criteria provided, multiple submitters, no conflicts (2 of 4 stars). 3 submissions from 3 submitters: Uncertain significance (3). Last evaluated 2026-06-25.

Conditions:
Arrhythmogenic cardiomyopathy with wooly hair and keratoderma. Also called: PALMOPLANTAR KERATODERMA WITH LEFT VENTRICULAR CARDIOMYOPATHY AND WOOLLY HAIR; Carvajal syndrome; Dilated cardiomyopathy with woolly hair and keratoderma; Arrhythmogenic cardiomyopathy with woolly hair and keratoderma. Identifiers: Orphanet 65282, MedGen C1854063, MONDO:0011581, OMIM 605676.
Cardiomyopathy (CMYO). Also called: Cardiomyopathies. Identifiers: Orphanet 167848, MedGen C0878544, MONDO:0004994, HP:0001638. Inheritance: Various modes of inheritance.
Cardiovascular phenotype. Identifiers: MedGen CN230736.

Allele frequency attached by ClinVar (database versions not stated): gnomAD exomes 0.00001; TOPMed below 0.00001; gnomAD 0.00001.
gnomAD v4.1: 13 of 1,614,044 alleles (0.00081%); highest among the groups gnomAD compares: Non-Finnish European, 0.0011%; no homozygotes.

Submissions (3):

Ambry Genetics
Classification: Uncertain significance for Cardiovascular phenotype. Last evaluated: 2026-06-25. Review status: criteria provided, single submitter. Criteria: Ambry Variant Classification Scheme 2023. Collection method: clinical testing. Allele origin: germline.
Comment: The p.V786I variant (also known as c.2356G>A), located in coding exon 17 of the DSP gene, results from a G to A substitution at nucleotide position 2356. The valine at codon 786 is replaced by isoleucine, an amino acid with highly similar properties. This amino acid position is conserved. In addition, the in silico prediction for this alteration is inconclusive. Based on the available evidence, the clinical significance of this variant remains unclear.

All of Us Research Program, National Institutes of Health
Classification: Uncertain significance for Arrhythmogenic cardiomyopathy with wooly hair and keratoderma. Last evaluated: 2023-12-13. Review status: criteria provided, single submitter. Criteria: ACMG Guidelines, 2015. Collection method: clinical testing. Allele origin: germline. Inheritance: Autosomal dominant inheritance. Observed: 1 variant allele, 1 heterozygote.
Comment: This missense variant replaces valine with isoleucine at codon 786 of the DSP protein. Computational prediction suggests that this variant may not impact protein structure and function (internally defined REVEL score threshold <= 0.5, PMID: 27666373). To our knowledge, functional studies have not been reported for this variant. This variant has not been reported in individuals affected with DSP-related disorders in the literature. This variant has been identified in 2/282802 chromosomes in the general population by the Genome Aggregation Database (gnomAD). The available evidence is insufficient to determine the role of this variant in disease conclusively. Therefore, this variant is classified as a Variant of Uncertain Significance.

This study involves interpretation of variants in research participants for the purpose of population health screening. Participant phenotype was not available at the time of variant classification. Additional details can be found in publication PMID: 35346344, PMCID: PMC8962531

Color Diagnostics, LLC DBA Color Health
Classification: Uncertain significance for Cardiomyopathy. Last evaluated: 2023-11-15. Review status: criteria provided, single submitter. Criteria: ACMG Guidelines, 2015. Collection method: clinical testing. Allele origin: germline.
Comment: This missense variant replaces valine with isoleucine at codon 786 of the DSP protein. Computational prediction suggests that this variant may not impact protein structure and function. To our knowledge, functional studies have not been reported for this variant. This variant has not been reported in individuals affected with DSP-related disorders in the literature. This variant has been identified in 2/282802 chromosomes in the general population by the Genome Aggregation Database (gnomAD). The available evidence is insufficient to determine the role of this variant in disease conclusively. Therefore, this variant is classified as a Variant of Uncertain Significance.